The following is an entry in ClinVar:

ClinVar aggregate classification (germline): Pathogenic/Likely pathogenic. Review status: criteria provided, multiple submitters, no conflicts (2 of 4 stars). 2 submissions from 2 submitters: Pathogenic (1); Likely pathogenic (1). Last evaluated 2025-04-08.

Conditions:
Epileptic encephalopathy. Identifiers: MedGen C0543888, HP:0200134.
Epilepsy, childhood absence, susceptibility to, 1. Also called: Epilepsy, childhood absence 1. Identifiers: Orphanet 64280, MedGen C1838604, MONDO:0020759, OMIM 600131.
Epilepsy, childhood absence, susceptibility to, 5. Identifiers: Orphanet 64280, MedGen C2677087, MONDO:0012843, OMIM 612269.

Submissions (2):

Labcorp Genetics (formerly Invitae), Labcorp
Classification: Pathogenic for Epilepsy, childhood absence, susceptibility to, 5; Epilepsy, childhood absence, susceptibility to, 1. Last evaluated: 2025-04-08. Review status: criteria provided, single submitter. Criteria: Invitae Variant Classification Sherloc (09022015). Collection method: clinical testing. Allele origin: germline.
Comment: This sequence change replaces leucine, which is neutral and non-polar, with phenylalanine, which is neutral and non-polar, at codon 124 of the GABRB3 protein (p.Leu124Phe). This variant is not present in population databases (gnomAD no frequency). This missense change has been observed in individual(s) with clinical features of developmental and epileptic encephalopathy (PMID: 27864847, 34698933, 35383156). In at least one individual the variant was observed to be de novo. ClinVar contains an entry for this variant (Variation ID: 375532). Invitae Evidence Modeling of protein sequence and biophysical properties (such as structural, functional, and spatial information, amino acid conservation, physicochemical variation, residue mobility, and thermodynamic stability) has been performed for this missense variant. However, the output from this modeling did not meet the statistical confidence thresholds required to predict the impact of this variant on GABRB3 protein function. Experimental studies have shown that this missense change affects GABRB3 function (PMID: 35383156). For these reasons, this variant has been classified as Pathogenic.

Neurogenetics Laboratory - MEYER, AOU Meyer
Classification: Likely pathogenic for Epileptic encephalopathy. Last evaluated: 2016-11-16. Review status: criteria provided, single submitter. Criteria: ACMG Guidelines, 2015. Collection method: clinical testing. Allele origin: de novo. Affected: yes. Observed: 1 heterozygote.

Literature cited by the submitters: PubMed 27864847 (cited by Labcorp Genetics (formerly Invitae), Labcorp); PubMed 34698933 (cited by Labcorp Genetics (formerly Invitae), Labcorp); PubMed 35383156 (cited by Labcorp Genetics (formerly Invitae), Labcorp).

NM_000814.6(GABRB3):c.372A>C (p.Leu124Phe)

Gene: GABRB3 (gamma-aminobutyric acid type A receptor subunit beta3; minus strand). Cytogenetic location: 15q12.
Variant type: single nucleotide variant.
Coding change: c.372A>C on transcript NM_000814.6 (MANE Select); coding-DNA position 372, A replaced by C.
Protein change: p.Leu124Phe; replaces leucine 124 with phenylalanine.
Molecular consequence: missense variant. On other transcripts: non-coding transcript variant (1).
Genome position (GRCh38, 1-based): chr15:26,621,403, T>G on the plus strand (A>C on the coding strand, the complement: GABRB3 is on the minus strand). VCF-style: chr15-26621403-T-G. GRCh37 (hg19) VCF-style: chr15-26866550-T-G.
Other names: c.117A>C, p.Leu39Phe (NM_001191320.2, NM_001278631.2); c.159A>C, p.Leu53Phe (NM_001191321.3); c.372A>C, p.Leu124Phe (NM_021912.5); short protein forms L124F, L39F, L53F.
Identifiers: ClinVar variation 375532 (VCV000375532.4), dbSNP rs1057519550, ClinGen allele CA16044329.